The following is an entry in ClinVar:

ClinVar aggregate classification (germline): Uncertain significance (1 of 4 stars; one submission).

Allele frequency attached by ClinVar (database versions not stated): gnomAD 0.00001; gnomAD exomes 0.00001; ExAC 0.00002; TOPMed 0.00002; ESP Exome Variant Server 0.00015.

Submission:

Labcorp Genetics (formerly Invitae), Labcorp
Classification: Uncertain significance. Last evaluated: 2022-07-06. Review status: criteria provided, single submitter. Criteria: Invitae Variant Classification Sherloc (09022015). Collection method: clinical testing. Allele origin: germline.
Comment: In summary, the available evidence is currently insufficient to determine the role of this variant in disease. Therefore, it has been classified as a Variant of Uncertain Significance. Algorithms developed to predict the effect of missense changes on protein structure and function are either unavailable or do not agree on the potential impact of this missense change (SIFT: "Deleterious"; PolyPhen-2: "Benign"; Align-GVGD: "Class C0"). ClinVar contains an entry for this variant (Variation ID: 1347363). This variant has not been reported in the literature in individuals affected with ADGRA3-related conditions. The frequency data for this variant in the population databases is considered unreliable, as metrics indicate poor data quality at this position in the gnomAD database. This sequence change replaces valine, which is neutral and non-polar, with methionine, which is neutral and non-polar, at codon 228 of the ADGRA3 protein (p.Val228Met).

NM_145290.4(ADGRA3):c.682G>A (p.Val228Met)

Gene: ADGRA3 (adhesion G protein-coupled receptor A3; minus strand). Cytogenetic location: 4p15.2.
Variant type: single nucleotide variant.
Coding change: c.682G>A on transcript NM_145290.4 (MANE Select); coding-DNA position 682, G replaced by A.
Protein change: p.Val228Met; replaces valine 228 with methionine.
Molecular consequence: missense variant.
Genome position (GRCh38, 1-based): chr4:22,444,997, C>T on the plus strand (G>A on the coding strand, the complement: ADGRA3 is on the minus strand). VCF-style: chr4-22444997-C-T. GRCh37 (hg19) VCF-style: chr4-22446620-C-T.
Other names: short protein forms V228M.
Identifiers: ClinVar variation 1347363 (VCV001347363.8), dbSNP rs368999398, ClinGen allele CA2874178.
Genomic context (GRCh38, chr4:22,444,997, plus strand): 5'-TGGTAAATGCTTTCTCAGTTTGGATTTCTCCCTTACCGCATGTCAACAGCTCCTGCTTCA[C>T]GCCTGTGACTGGTTGGGCCTGCAGTGACTTAGGATAAACACACCTGGTATCCCGTACCGT-3'
Protein context (NP_660333.2, residues 218-238): KSLQAQPVTG[Val228Met]KQELLTCDPP